The following is an entry in ClinVar:

NM_002519.3(NPAT):c.3958A>G (p.Ser1320Gly)

Gene: NPAT (nuclear protein, coactivator of histone transcription; minus strand). Cytogenetic location: 11q22.3.
Variant type: single nucleotide variant.
Coding change: c.3958A>G on transcript NM_002519.3 (MANE Select); coding-DNA position 3958, A replaced by G.
Protein change: p.Ser1320Gly; replaces serine 1320 with glycine.
Molecular consequence: missense variant.
Genome position (GRCh38, 1-based): chr11:108,161,128, T>C on the plus strand (A>G on the coding strand, the complement: NPAT is on the minus strand). VCF-style: chr11-108161128-T-C. GRCh37 (hg19) VCF-style: chr11-108031855-T-C.
Other names: c.3979A>G, p.Ser1327Gly (NM_001321307.1); short protein forms S1320G, S1327G.
Identifiers: ClinVar variation 2453772 (VCV002453772.2), dbSNP rs2496693869, ClinGen allele CA382509678.

ClinVar aggregate classification (germline): Uncertain significance (1 of 4 stars; one submission).

Submission:

Ambry Genetics
Classification: Uncertain significance. Last evaluated: 2023-01-12. Review status: criteria provided, single submitter. Criteria: Ambry Variant Classification Scheme 2023. Collection method: clinical testing. Allele origin: germline.
Comment: The p.S1320G variant (also known as c.3958A>G), located in coding exon 17 of the NPAT gene, results from an A to G substitution at nucleotide position 3958. The serine at codon 1320 is replaced by glycine, an amino acid with similar properties. This amino acid position is conserved. In addition, the in silico prediction for this alteration is inconclusive. Since supporting evidence is limited at this time, the clinical significance of this alteration remains unclear.